The following is an entry in ClinVar:

ClinVar aggregate classification (germline): Uncertain significance (1 of 4 stars; one submission).

Conditions:
Developmental and epileptic encephalopathy, 7 (DEE7). Also called: Early infantile epileptic encephalopathy 7; KCNQ2-Related Neonatal Epileptic Encephalopathy; KCNQ2-Related Neonatal-Onset Developmental and Epileptic Encephalopathy (NEO-DEE). Identifiers: Orphanet 439218, MedGen C3150986, MONDO:0013387, OMIM 613720.

Submission:

Victorian Clinical Genetics Services, Murdoch Childrens Research Institute
Classification: Uncertain significance for Developmental and epileptic encephalopathy, 7. Last evaluated: 2024-10-11. Review status: criteria provided, single submitter. Criteria: ACMG Guidelines, 2015. Collection method: clinical testing. Allele origin: germline. Inheritance: Autosomal dominant inheritance. Affected: yes.
Comment: Based on the classification scheme VCGS_Germline_v1.3.5, this variant is classified as VUS-3A. Following criteria are met: 0103 - Dominant negative and loss of function are known mechanisms of disease in this gene and are associated with developmental and epileptic encephalopathy 7 (DEE; MIM#613720) and benign neonatal seizures 1 (BFNS1; MIM#121200), respectively (PMID: 20437616). There is currently no phenotypic correlation in terms of variant types or location (PMID: 31418850). (I) 0107 - This gene is associated with autosomal dominant disease. (I) 0112 - The condition associated with this gene has incomplete penetrance; however, this is only reported for individuals with BFNS1 (PMID: 25959266). (I) 0200 - Variant is predicted to result in a missense amino acid change from glutamine to glutamic acid. (I) 0251 - This variant is heterozygous. (I) 0301 - Variant is absent from gnomAD (v2, v3 and v4). (SP) 0502 - Missense variant with conflicting in silico predictions and moderate conservation with a minor amino acid change. (I) 0603 - Missense variant in a region that is highly intolerant to missense variation (high constraint region in DECIPHER). (SP) 0708 - Another missense variant comparable to the one identified in this case has conflicting previous evidence for pathogenicity. An alternative change, p.(Gln286Pro), has been classified as a VUS and likely pathogenic by clinical laboratories in ClinVar. (I) 0807 - This variant has no previous evidence of pathogenicity. (I) 0905 - No published segregation evidence has been identified for this variant. (I) 1007 - No published functional evidence has been identified for this variant. (I) Legend: (SP) - Supporting pathogenic, (I) - Information, (SB) - Supporting benign

Literature cited by the submitters: PubMed 20437616; PubMed 25959266; PubMed 31418850.

NM_172107.4(KCNQ2):c.856C>G (p.Gln286Glu)

Gene: KCNQ2 (potassium voltage-gated channel subfamily Q member 2; minus strand). Cytogenetic location: 20q13.33.
Variant type: single nucleotide variant.
Coding change: c.856C>G on transcript NM_172107.4 (MANE Select); coding-DNA position 856, C replaced by G.
Protein change: p.Gln286Glu; replaces glutamine 286 with glutamic acid.
Molecular consequence: missense variant.
Genome position (GRCh38, 1-based): chr20:63,439,669, G>C on the plus strand (C>G on the coding strand, the complement: KCNQ2 is on the minus strand). VCF-style: chr20-63439669-G-C. GRCh37 (hg19) VCF-style: chr20-62071022-G-C.
Other names: c.856C>G, p.Gln286Glu (NM_001382235.1, NM_004518.6, NM_172106.3 and 2 more transcripts); short protein forms Q286E.
Identifiers: ClinVar variation 1805737 (VCV001805737.2), dbSNP rs2516419877, ClinGen allele CA409652645.